The following is an entry in ClinVar:

ClinVar aggregate classification (germline): Likely pathogenic. Review status: criteria provided, multiple submitters, no conflicts (2 of 4 stars). 2 submissions from 2 submitters: Likely pathogenic (2). Last evaluated 2024-09-02.

Conditions:
Mitochondrial complex II deficiency, nuclear type 1. Also called: SUCCINATE CoQ REDUCTASE DEFICIENCY. Identifiers: Orphanet 3208, MedGen C5700310, MONDO:0100294, OMIM 252011.
Pheochromocytoma/paraganglioma syndrome 5. Also called: Paragangliomas 5; SDHA-Related Hereditary Paraganglioma-Pheochromocytoma Syndrome. Identifiers: Orphanet 29072, MedGen C3279992, MONDO:0013602, OMIM 614165.

Submissions (2):

Labcorp Genetics (formerly Invitae), Labcorp
Classification: Likely pathogenic for Pheochromocytoma/paraganglioma syndrome 5; Mitochondrial complex II deficiency, nuclear type 1. Last evaluated: 2024-09-02. Review status: criteria provided, single submitter. Criteria: Invitae Variant Classification Sherloc (09022015). Collection method: clinical testing. Allele origin: germline.
Comment: This sequence change affects a donor splice site in intron 10 of the SDHA gene. It is expected to disrupt RNA splicing. Variants that disrupt the donor or acceptor splice site typically lead to a loss of protein function (PMID: 16199547), and loss-of-function variants in SDHA are known to be pathogenic (PMID: 22974104, 24781757). This variant is not present in population databases (gnomAD no frequency). Disruption of this splice site has been observed in individual(s) with Leigh syndrome (PMID: 31665838). ClinVar contains an entry for this variant (Variation ID: 1345263). Algorithms developed to predict the effect of sequence changes on RNA splicing suggest that this variant may disrupt the consensus splice site. In summary, the currently available evidence indicates that the variant is pathogenic, but additional data are needed to prove that conclusively. Therefore, this variant has been classified as Likely Pathogenic.

Myriad Genetics, Inc.
Classification: Likely pathogenic for Pheochromocytoma/paraganglioma syndrome 5. Last evaluated: 2024-08-21. Review status: criteria provided, single submitter. Criteria: Myriad Autosomal Dominant, Autosomal Recessive and X-Linked Classification Criteria (2023). Collection method: clinical testing. Allele origin: unknown.
Comment: This variant is considered likely pathogenic. This variant occurs within a consensus splice junction and is predicted to result in abnormal mRNA splicing of either an out-of-frame exon or an in-frame exon necessary for protein stability and/or normal function.

Literature cited by the submitters: PubMed 16199547 (cited by Labcorp Genetics (formerly Invitae), Labcorp); PubMed 22974104 (cited by Labcorp Genetics (formerly Invitae), Labcorp); PubMed 24781757 (cited by Labcorp Genetics (formerly Invitae), Labcorp); PubMed 31665838 (cited by Labcorp Genetics (formerly Invitae), Labcorp).

NM_004168.4(SDHA):c.1432+1G>T

Gene: SDHA (succinate dehydrogenase complex flavoprotein subunit A; plus strand). Cytogenetic location: 5p15.33.
Variant type: single nucleotide variant.
Coding change: c.1432+1G>T on transcript NM_004168.4 (MANE Select); the canonical splice donor site of the intron after coding-DNA position 1432, G replaced by T.
Molecular consequence: splice donor variant.
Genome position (GRCh38, 1-based): chr5:236,600, G>T. VCF-style: chr5-236600-G-T. GRCh37 (hg19) VCF-style: chr5-236715-G-T.
Other names: c.1432+1G>T (NM_001330758.2); c.1288+1G>T (NM_001294332.2).
Identifiers: ClinVar variation 1345263 (VCV001345263.9), dbSNP rs878854628, ClinGen allele CA359014142.